The following is an entry in ClinVar:

NM_001048174.2(MUTYH):c.587C>A (p.Ala196Asp)

Gene: MUTYH (mutY DNA glycosylase; minus strand). Cytogenetic location: 1p34.1.
Variant type: single nucleotide variant.
Coding change: c.587C>A on transcript NM_001048174.2 (MANE Select); coding-DNA position 587, C replaced by A.
Protein change: p.Ala196Asp; replaces alanine 196 with aspartic acid.
Molecular consequence: missense variant. On other transcripts: non-coding transcript variant (2).
Genome position (GRCh38, 1-based): chr1:45,332,593, G>T on the plus strand (C>A on the coding strand, the complement: MUTYH is on the minus strand). VCF-style: chr1-45332593-G-T. GRCh37 (hg19) VCF-style: chr1-45798265-G-T.
Other names: c.587C>A, p.Ala196Asp (NM_001048171.2, NM_001048173.2, NM_001293195.2); c.590C>A, p.Ala197Asp (NM_001048172.2); c.671C>A, p.Ala224Asp (NM_001128425.2); c.632C>A, p.Ala211Asp (NM_001293190.2); c.620C>A, p.Ala207Asp (NM_001293191.2); c.311C>A, p.Ala104Asp (NM_001293192.2, NM_001293196.2); c.242C>A, p.Ala81Asp (NM_001350650.2, NM_001350651.2); c.662C>A, p.Ala221Asp (NM_012222.3); short protein forms A224D, A196D, A207D, A221D, A81D, A211D, A104D, A197D.
Identifiers: ClinVar variation 496104 (VCV000496104.3), dbSNP rs1553128391, ClinGen allele CA340135292.
Genomic context (GRCh38, chr1:45,332,593, plus strand): 5'-AGGCTGGGCACGCACAAAGTGGGGGTGGGCTGTGAGATCACCTGGCCAAAGGCGATAGAG[G>T]CAATGGCCCCAGCTGTGTAGCGCCCCACGCCAGGCAGGAGCTGCTGCAGGGTCTCTGCTG-3'
Protein context (NP_001041639.1, residues 186-206): GVGRYTAGAI[Ala196Asp]SIAFGQATGV

ClinVar aggregate classification (germline): Conflicting classifications of pathogenicity. Review status: criteria provided, conflicting classifications (1 of 4 stars). 2 submissions from 2 submitters: Likely pathogenic (1); Uncertain significance (1). Last evaluated 2025-08-15.

Conditions:
Hereditary cancer-predisposing syndrome. Also called: Tumor predisposition; Neoplastic Syndromes, Hereditary; Hereditary neoplastic syndrome; Hereditary Cancer Syndrome. Identifiers: Orphanet 140162, MedGen C0027672, MeSH D009386, MONDO:0015356.

Submissions (2):

Ambry Genetics
Classification: Likely pathogenic for Hereditary cancer-predisposing syndrome. Last evaluated: 2025-08-15. Review status: criteria provided, single submitter. Criteria: Ambry Variant Classification Scheme 2023. Collection method: clinical testing. Allele origin: germline.
Comment: The p.A224D variant (also known as c.671C>A), located in coding exon 8 of the MUTYH gene, results from a C to A substitution at nucleotide position 671. The alanine at codon 224 is replaced by aspartic acid, an amino acid with dissimilar properties. In a massively parallel cell-based functional assay testing 7,8-dihydro-8- oxoguanine:adenine (8OG:A) repair activity, a byproduct of oxidative damage, this variant was reported to be non-functional (Hemker SL et al. Am J Hum Genet. Published online July 29, 2025. DOI: 10.1016/j.ajhg.2025.07.005). This amino acid position is well conserved in available vertebrate species. In addition, this alteration is predicted to be deleterious by in silico analysis. This variant is considered to be rare based on population cohorts in the Genome Aggregation Database (gnomAD). Based on the majority of available evidence to date, this variant is likely to be pathogenic.

Women's Health and Genetics/Laboratory Corporation of America, LabCorp
Classification: Uncertain significance. Last evaluated: 2016-04-01. Review status: criteria provided, single submitter. Criteria: LabCorp Variant Classification Summary - May 2015. Collection method: clinical testing. Allele origin: germline.
Comment: Variant Summary: The c.671C>A variant involves the alteration of a conserved nucleotide and 4/4 in silico tools predict a pathogenic outcome. The variant is absent from the large, broad ExAC control population. The variant of interest has not, to our knowledge, been reported in affected individuals via publications and/or reputable databases/clinical laboratories; nor evaluated for functional impact by in vivo/vitro studies. Because of the absence of clinical information and the lack of functional studies, the variant was classified as a variant of uncertain significance (VUS) until additional information becomes available.

Literature cited by the submitters: PubMed 40738107 (cited by Ambry Genetics).